The following is an entry in ClinVar:

ClinVar aggregate classification (germline): Conflicting classifications of pathogenicity. Review status: criteria provided, conflicting classifications (1 of 4 stars). 3 submissions from 3 submitters: Uncertain significance (2); Likely benign (1). Last evaluated 2026-06-22.

Conditions:
Von Hippel-Lindau syndrome (VHLS). Also called: von Hippel–Lindau syndrome; Von Hippel-Lindau; VHL syndrome. Identifiers: Orphanet 892, MedGen C0019562, MONDO:0008667, OMIM 193300. Disease mechanism: loss of function.
Chuvash polycythemia. Also called: POLYCYTHEMIA, VHL-DEPENDENT. Identifiers: Orphanet 238557, MedGen C1837915, MONDO:0009892, OMIM 263400.
Hereditary cancer-predisposing syndrome. Also called: Hereditary Cancer Syndrome; Tumor predisposition; Hereditary neoplastic syndrome; Neoplastic Syndromes, Hereditary. Identifiers: Orphanet 140162, MedGen C0027672, MeSH D009386, MONDO:0015356.

Allele frequency attached by ClinVar (database versions not stated): gnomAD exomes below 0.00001.
gnomAD v4.1: 1 of 1,613,992 alleles (0.000062%); highest among the groups gnomAD compares: Non-Finnish European, 0.000085%; no homozygotes.

Submissions (3):

Ambry Genetics
Classification: Likely benign for Hereditary cancer-predisposing syndrome. Last evaluated: 2026-06-22. Review status: criteria provided, single submitter. Criteria: Ambry Variant Classification Scheme 2023. Collection method: clinical testing. Allele origin: germline.

All of Us Research Program, National Institutes of Health
Classification: Uncertain significance for Von Hippel-Lindau syndrome. Last evaluated: 2023-12-13. Review status: criteria provided, single submitter. Criteria: ACMG Guidelines, 2015. Collection method: clinical testing. Allele origin: germline. Inheritance: Autosomal dominant inheritance. Observed: 1 variant allele, 1 heterozygote.
Comment: This missense variant replaces glutamine with glutamic acid at codon 209 of the VHL protein. Computational prediction is inconclusive regarding the impact of this variant on protein structure and function (internally defined REVEL score threshold 0.5 < inconclusive < 0.7, PMID: 27666373). To our knowledge, functional studies have not been reported for this variant. This variant has not been reported in individuals affected with VHL-related disorders in the literature. This variant has not been identified in the general population by the Genome Aggregation Database (gnomAD). The available evidence is insufficient to determine the role of this variant in disease conclusively. Therefore, this variant is classified as a Variant of Uncertain Significance.

This study involves interpretation of variants in research participants for the purpose of population health screening. Participant phenotype was not available at the time of variant classification. Additional details can be found in publication PMID: 35346344, PMCID: PMC8962531

Labcorp Genetics (formerly Invitae), Labcorp
Classification: Uncertain significance for Von Hippel-Lindau syndrome; Chuvash polycythemia. Last evaluated: 2018-10-07. Review status: criteria provided, single submitter. Criteria: Invitae Variant Classification Sherloc (09022015). Collection method: clinical testing. Allele origin: germline.
Comment: This sequence change replaces glutamine with glutamic acid at codon 209 of the VHL protein (p.Gln209Glu). The glutamine residue is moderately conserved and there is a small physicochemical difference between glutamine and glutamic acid. This variant is not present in population databases (ExAC no frequency). In summary, the available evidence is currently insufficient to determine the role of this variant in disease. Therefore, it has been classified as a Variant of Uncertain Significance. Algorithms developed to predict the effect of missense changes on protein structure and function are either unavailable or do not agree on the potential impact of this missense change (SIFT: "Tolerated"; PolyPhen-2: "Possibly Damaging"; Align-GVGD: "Class C0"). This variant has not been reported in the literature in individuals with VHL-related disease.

NM_000551.4(VHL):c.625C>G (p.Gln209Glu)

Genes: VHL (von Hippel-Lindau tumor suppressor; plus strand), LOC107303340 (3p25 von Hippel-Lindau tumor suppressor, E3 ubiquitin protein ligase Alu-mediated recombination region; plus strand). Cytogenetic location: 3p25.3.
Variant type: single nucleotide variant.
Coding change: c.625C>G on transcript NM_000551.4 (MANE Select); coding-DNA position 625, C replaced by G.
Protein change: p.Gln209Glu; replaces glutamine 209 with glutamic acid.
Molecular consequence: missense variant. On other transcripts: 3 prime UTR variant (1).
Genome position (GRCh38, 1-based): chr3:10,149,948, C>G. VCF-style: chr3-10149948-C-G. GRCh37 (hg19) VCF-style: chr3-10191632-C-G.
Other names: c.*179C>G (NM_001354723.2); c.502C>G, p.Gln168Glu (NM_198156.3); short protein forms Q209E, Q168E.
Identifiers: ClinVar variation 566415 (VCV000566415.12), dbSNP rs1559429968, ClinGen allele CA351756688.